The following is an entry in ClinVar:

ClinVar aggregate classification (germline): Pathogenic/Likely pathogenic. Review status: criteria provided, multiple submitters, no conflicts (2 of 4 stars). 5 submissions from 5 submitters: Pathogenic (4); Likely pathogenic (1). Last evaluated 2025-06-17.

Conditions:
Hereditary nonpolyposis colon cancer (HNPCC). Also called: Hereditary nonpolyposis colorectal cancer; Familial nonpolyposis colon cancer; Hereditary Nonpolyposis Colorectal Cancer Syndrome. Identifiers: Orphanet 443909, MedGen C1333990, MONDO:0018630. Disease mechanism: loss of function.
Hereditary nonpolyposis colorectal neoplasms. Identifiers: MedGen C0009405, MeSH D003123.
Hereditary cancer-predisposing syndrome. Also called: Hereditary neoplastic syndrome; Neoplastic Syndromes, Hereditary; Tumor predisposition; Hereditary Cancer Syndrome. Identifiers: Orphanet 140162, MedGen C0027672, MeSH D009386, MONDO:0015356.
Lynch syndrome 5 (LYNCH5). Also called: Colorectal cancer, hereditary nonpolyposis, type 5; Hereditary non-polyposis colorectal cancer, type 5. Identifiers: Orphanet 144, MedGen C1833477, MONDO:0013710, OMIM 614350. Disease mechanism: loss of function.
Lynch syndrome. Identifiers: Orphanet 144, MedGen C4552100, MONDO:0005835. Disease mechanism: loss of function.

Submissions (5):

Molecular Diagnostics Laboratory, Catalan Institute of Oncology
Classification: Pathogenic for Hereditary cancer-predisposing syndrome. Last evaluated: 2025-06-17. Review status: criteria provided, single submitter. Criteria: ClinGen CRC ACMG Specifications MSH6 V1.0.0. Collection method: clinical testing. Allele origin: germline.
Comment: PVS1_, PM2_Supporting; PP4_Moderate c.2872C>T, located in exon 4 of the MSH6 gene, is expected to result in loss of function by premature protein truncation before codon 1342, p.(Gln958*)(PVS1). It is not present in the population database gnomAD v4.1.0 (PM2_Supporting). No effect is predicted on splicing by SpliceAI. It has been identified in two patients whose Lynch syndrome-associated tumors showed loss of MSH6 protein expression (internal data) (PP4_Moderate). To our knowledge, functional studies have not been reported for this variant. The variant has been reported in the ClinVar database (3x pathogenic, 1x likely pathogenic) but it has not been identifies neither LOVD nor InSiGHT databases. Based on currently available information, the variant c.2872C>T should be considered a pathogenic variant according to to ClinGen-CRC_ACMG_Specifications_MSH6_v1.0.0.

All of Us Research Program, National Institutes of Health
Classification: Pathogenic for Lynch syndrome. Last evaluated: 2023-10-23. Review status: criteria provided, single submitter. Criteria: ACMG Guidelines, 2015. Collection method: clinical testing. Allele origin: germline. Inheritance: Autosomal dominant inheritance. Observed: 1 variant allele, 1 heterozygote.
Comment: This variant changes 1 nucleotide in exon 4 of the MSH6 gene, creating a premature translation stop signal. This variant is expected to result in an absent or non-functional protein product. To our knowledge, this variant has not been reported in individuals affected with MSH6-related disorders in the literature. This variant has not been identified in the general population by the Genome Aggregation Database (gnomAD). Loss of MSH6 function is a known mechanism of disease. Based on the available evidence, this variant is classified as Pathogenic.

This study involves interpretation of variants in research participants for the purpose of population health screening. Participant phenotype was not available at the time of variant classification. Additional details can be found in publication PMID: 35346344, PMCID: PMC8962531

Myriad Genetics, Inc.
Classification: Pathogenic for Lynch syndrome 5. Last evaluated: 2023-08-21. Review status: criteria provided, single submitter. Criteria: Myriad Autosomal Dominant, Autosomal Recessive and X-Linked Classification Criteria (2023). Collection method: clinical testing. Allele origin: unknown.
Comment: This variant is considered pathogenic. This variant creates a termination codon and is predicted to result in premature protein truncation.

Labcorp Genetics (formerly Invitae), Labcorp
Classification: Pathogenic for Hereditary nonpolyposis colorectal neoplasms. Last evaluated: 2022-02-02. Review status: criteria provided, single submitter. Criteria: Invitae Variant Classification Sherloc (09022015). Collection method: clinical testing. Allele origin: germline.
Comment: This variant has not been reported in the literature in individuals affected with MSH6-related conditions. This variant is not present in population databases (gnomAD no frequency). This sequence change creates a premature translational stop signal (p.Gln958*) in the MSH6 gene. It is expected to result in an absent or disrupted protein product. Loss-of-function variants in MSH6 are known to be pathogenic (PMID: 18269114, 24362816). ClinVar contains an entry for this variant (Variation ID: 1321397). For these reasons, this variant has been classified as Pathogenic.

Women's Health and Genetics/Laboratory Corporation of America, LabCorp
Classification: Likely pathogenic for Hereditary nonpolyposis colon cancer. Last evaluated: 2021-10-20. Review status: criteria provided, single submitter. Criteria: LabCorp Variant Classification Summary - May 2015. Collection method: clinical testing. Allele origin: germline.
Comment: Variant summary: MSH6 c.2872C>T (p.Gln958X) results in a premature termination codon, predicted to cause a truncation of the encoded protein or absence of the protein due to nonsense mediated decay, which are commonly known mechanisms for disease. Truncations downstream of this position have been classified as pathogenic by our laboratory. The variant was absent in 250164 control chromosomes. To our knowledge, no occurrence of c.2872C>T in individuals affected with Lynch Syndrome and no experimental evidence demonstrating its impact on protein function have been reported. No clinical diagnostic laboratories have submitted clinical-significance assessments for this variant to ClinVar after 2014. Based on the evidence outlined above, the variant was classified as likely pathogenic.

Literature cited by the submitters: PubMed 18269114 (cited by Labcorp Genetics (formerly Invitae), Labcorp); PubMed 24362816 (cited by Labcorp Genetics (formerly Invitae), Labcorp).

NM_000179.3(MSH6):c.2872C>T (p.Gln958Ter)

Gene: MSH6 (mutS homolog 6; plus strand). Cytogenetic location: 2p16.3.
Variant type: single nucleotide variant.
Coding change: c.2872C>T on transcript NM_000179.3 (MANE Select); coding-DNA position 2872, C replaced by T.
Protein change: p.Gln958Ter; replaces glutamine 958 with a stop codon.
Molecular consequence: nonsense.
Genome position (GRCh38, 1-based): chr2:47,800,855, C>T. VCF-style: chr2-47800855-C-T. GRCh37 (hg19) VCF-style: chr2-48027994-C-T.
Other names: c.2482C>T, p.Gln828Ter (NM_001281492.2); c.1966C>T, p.Gln656Ter (NM_001281493.2, NM_001281494.2); short protein forms Q656*, Q828*, Q958*.
Identifiers: ClinVar variation 1321397 (VCV001321397.12), dbSNP rs1553414236, ClinGen allele CA346755992.
Genomic context (GRCh38, chr2:47,800,855, plus strand): 5'-GACCAAGCTCTTGCTGACATAAGAGAAAATGAACAGAGCCTCCTGGAATACCTAGAGAAA[C>T]AGCGCAACAGAATTGGCTGTAGGACCATAGTCTATTGGGGGATTGGTAGGAACCGTTACC-3'